The following is an entry in ClinVar:

NM_005257.6(GATA6):c.128CCT[2] (p.Ser45del)

Gene: GATA6 (GATA binding protein 6; plus strand). Cytogenetic location: 18q11.2.
Variant type: Microsatellite.
Coding change: c.128CCT[2] on transcript NM_005257.6 (MANE Select); two copies in a row of the 3-base unit CCT starting at c.128; the reference has three copies in a row; one copy, 3 bases deleted.
Protein change: p.Ser45del; deletes serine 45.
Molecular consequence: inframe deletion.
Genome position (GRCh38, 1-based): chr18:22,171,278-22,171,280, CCT deleted; deleting any 3 consecutive bases within chr18:22,171,271-22,171,280 gives the same sequence; the position shown is the placement nearest the transcript's 3' end. VCF-style (leftmost placement, unchanged base first): chr18-22171270-GTCC-G. GRCh37 (hg19) VCF-style: chr18-19751231-GTCC-G.
Other names: short protein forms S45del.
Identifiers: ClinVar variation 591214 (VCV000591214.9), dbSNP rs1201519482, ClinGen allele CA628980373.
Genomic context (GRCh38, chr18:22,171,270, plus strand): 5'-CGACTCCAGAGCCTTTCCAGCGCGGGAGCCCTCCACGCCGCCTTCCCCCATCTCTTCCTC[GTCC>G]TCCTCCTGCTCCCGGGGCGGAGAGCGGGGCCCCGGCGGCGCCAGCAACTGCGGGACGCCT-3'

ClinVar aggregate classification (germline): Uncertain significance. Review status: criteria provided, single submitter (1 of 4 stars). 2 submissions from 2 submitters: Uncertain significance (1). 1 of the submissions does not count toward it. Last evaluated 2025-04-22.

Conditions:
Atrioventricular septal defect 5 (AVSD5). Identifiers: MedGen C3280939, MONDO:0013769, OMIM 614474.

Submissions (2):

Labcorp Genetics (formerly Invitae), Labcorp
Classification: Uncertain significance for Atrioventricular septal defect 5. Last evaluated: 2025-04-22. Review status: criteria provided, single submitter. Criteria: Invitae Variant Classification Sherloc (09022015). Collection method: clinical testing. Allele origin: germline.
Comment: This variant, c.134_136del, results in the deletion of 1 amino acid(s) of the GATA6 protein (p.Ser45del), but otherwise preserves the integrity of the reading frame. This variant is not present in population databases (gnomAD no frequency). This variant has not been reported in the literature in individuals affected with GATA6-related conditions. Experimental studies and prediction algorithms are not available or were not evaluated, and the functional significance of this variant is currently unknown. In summary, the available evidence is currently insufficient to determine the role of this variant in disease. Therefore, it has been classified as a Variant of Uncertain Significance.

Gharavi Laboratory, Columbia University
Classification: Uncertain significance. Last evaluated: 2018-09-16. Review status: no assertion criteria provided. Criteria: ACMG Guidelines, 2015. Collection method: research. Allele origin: germline. Affected: yes. Not counted in ClinVar's aggregate classification.